The following is an entry in ClinVar:

ClinVar aggregate classification (germline): not provided (0 of 4 stars; one submission).

Allele frequency attached by ClinVar (database versions not stated): gnomAD below 0.00001 and 0.00001; TOPMed below 0.00001; gnomAD exomes 0.00001 and 0.00002; ExAC 0.00002.
gnomAD v4.1: 16 of 1,614,008 alleles (0.00099%); highest among the groups gnomAD compares: South Asian, 0.016%; no homozygotes.

Submission:

ITMI
No classification provided. Condition: AllHighlyPenetrant. Last evaluated: 2013-09-19. Review status: no classification provided. Collection method: reference population. Allele origin: germline.
Comment: Please see associated publication for description of ethnicities

Literature cited by the submitters: PubMed 24728327.

NM_000127.3(EXT1):c.382G>T (p.Ala128Ser)

Gene: EXT1 (exostosin glycosyltransferase 1; minus strand). Cytogenetic location: 8q24.11.
Variant type: single nucleotide variant.
Coding change: c.382G>T on transcript NM_000127.3 (MANE Select); coding-DNA position 382, G replaced by T.
Protein change: p.Ala128Ser; replaces alanine 128 with serine.
Molecular consequence: missense variant.
Genome position (GRCh38, 1-based): chr8:118,110,665, C>A on the plus strand (G>T on the coding strand, the complement: EXT1 is on the minus strand). VCF-style: chr8-118110665-C-A. GRCh37 (hg19) VCF-style: chr8-119122904-C-A.
Other names: short protein forms A128S.
Identifiers: ClinVar variation 134198 (VCV000134198.1), dbSNP rs587778298, ClinGen allele CA159092.
Genomic context (GRCh38, chr8:118,110,665, plus strand): 5'-GGTCCGAGGTGTAGAACCTGGAGCCCTCGATGGCCGCTAGAATGTTTTGGTAACTTTCGG[C>A]GATTTTCTCCCCTTTTTGCTGTGGGTATACGTAGACTTTGAAGCCGTTTTTCTTGCAAAG-3'
Protein context (NP_000118.2, residues 118-138): VYPQQKGEKI[Ala128Ser]ESYQNILAAI